The following is an entry in ClinVar:

ClinVar aggregate classification (germline): Uncertain significance (1 of 4 stars; one submission).

gnomAD v4.1: 10 of 1,600,942 alleles (0.00062%); highest among the groups gnomAD compares: East Asian, 0.0023%; no homozygotes.

Submission:

Labcorp Genetics (formerly Invitae), Labcorp
Classification: Uncertain significance. Last evaluated: 2025-10-09. Review status: criteria provided, single submitter. Criteria: Invitae Variant Classification Sherloc (09022015). Collection method: clinical testing. Allele origin: germline.
Comment: This sequence change affects codon 124 of the NACC1 mRNA. It is a 'silent' change, meaning that it does not change the encoded amino acid sequence of the NACC1 protein. The frequency data for this variant in the population databases is considered unreliable, as metrics indicate poor data quality at this position in the gnomAD database. This variant has not been reported in the literature in individuals affected with NACC1-related conditions. Algorithms developed to predict the effect of sequence changes on RNA splicing suggest that this variant may create or strengthen a splice site. In summary, the available evidence is currently insufficient to determine the role of this variant in disease. Therefore, it has been classified as a Variant of Uncertain Significance.

NM_052876.4(NACC1):c.372C>T (p.Ser124=)

Gene: NACC1 (nucleus accumbens associated 1; plus strand). Cytogenetic location: 19p13.13.
Variant type: single nucleotide variant.
Coding change: c.372C>T on transcript NM_052876.4 (MANE Select); coding-DNA position 372, C replaced by T.
Protein change: p.Ser124=; no amino-acid change (serine 124 retained).
Molecular consequence: synonymous variant.
Genome position (GRCh38, 1-based): chr19:13,135,579, C>T. VCF-style: chr19-13135579-C-T. GRCh37 (hg19) VCF-style: chr19-13246393-C-T.
Identifiers: ClinVar variation 4728370 (VCV004728370.1).
Genomic context (GRCh38, chr19:13,135,579, plus strand): 5'-TGGCTTCCTGCAGATCCAGGAGATCATGGAGAAGGGCACCGAGTTCTTCCTCAAGGTGAG[C>T]TCCCCGAGCTGCGACTCCCAGGGCCTGCATGCGGAGGAGGCCCCATCGTCGGAGCCCCAG-3'
Protein context (NP_443108.1, residues 114-134): EKGTEFFLKV[Ser124=]SPSCDSQGLH